The following is an entry in ClinVar:

ClinVar aggregate classification (germline): Uncertain significance. Review status: criteria provided, multiple submitters, no conflicts (2 of 4 stars). 2 submissions from 2 submitters: Uncertain significance (2). Last evaluated 2023-02-27.

Conditions:
Cardiovascular phenotype. Identifiers: MedGen CN230736.
Long QT syndrome (LQTS). Identifiers: MedGen C0023976, MeSH D008133, MONDO:0002442. Disease mechanism: loss of function. Inheritance: Various modes of inheritance.

Allele frequency attached by ClinVar (database versions not stated): gnomAD 0.00001; TOPMed 0.00001.
gnomAD v4.1: 3 of 1,607,972 alleles (0.00019%); highest among the groups gnomAD compares: Admixed American, 0.0017%; no homozygotes.

Submissions (2):

Labcorp Genetics (formerly Invitae), Labcorp
Classification: Uncertain significance for Long QT syndrome. Last evaluated: 2023-02-27. Review status: criteria provided, single submitter. Criteria: Invitae Variant Classification Sherloc (09022015). Collection method: clinical testing. Allele origin: germline.
Comment: In summary, the available evidence is currently insufficient to determine the role of this variant in disease. Therefore, it has been classified as a Variant of Uncertain Significance. An algorithm developed to predict the effect of missense changes on protein structure and function (PolyPhen-2) suggests that this variant is likely to be tolerated. ClinVar contains an entry for this variant (Variation ID: 1741848). This variant has not been reported in the literature in individuals affected with AKAP9-related conditions. This variant is not present in population databases (gnomAD no frequency). This sequence change replaces histidine, which is basic and polar, with proline, which is neutral and non-polar, at codon 1536 of the AKAP9 protein (p.His1536Pro).

Ambry Genetics
Classification: Uncertain significance for Cardiovascular phenotype. Last evaluated: 2021-07-18. Review status: criteria provided, single submitter. Criteria: Ambry Variant Classification Scheme 2023. Collection method: clinical testing. Allele origin: germline.
Comment: The p.H1536P variant (also known as c.4607A>C), located in coding exon 17 of the AKAP9 gene, results from an A to C substitution at nucleotide position 4607. The histidine at codon 1536 is replaced by proline, an amino acid with similar properties. This amino acid position is conserved. In addition, this alteration is predicted to be tolerated by in silico analysis. Since supporting evidence is limited at this time, the clinical significance of this alteration remains unclear.

NM_005751.5(AKAP9):c.4607A>C (p.His1536Pro)

Gene: AKAP9 (A-kinase anchoring protein 9; plus strand). Cytogenetic location: 7q21.2.
Variant type: single nucleotide variant.
Coding change: c.4607A>C on transcript NM_005751.5 (MANE Select); coding-DNA position 4607, A replaced by C.
Protein change: p.His1536Pro; replaces histidine 1536 with proline.
Molecular consequence: missense variant.
Genome position (GRCh38, 1-based): chr7:92,038,687, A>C. VCF-style: chr7-92038687-A-C. GRCh37 (hg19) VCF-style: chr7-91668001-A-C.
Other names: c.4607A>C, p.His1536Pro (NM_147185.3); short protein forms H1536P.
Identifiers: ClinVar variation 1741848 (VCV001741848.7), dbSNP rs937791197, ClinGen allele CA161895692.